The following is an entry in ClinVar:

ClinVar aggregate classification (germline): Likely benign (1 of 4 stars; one submission).

Submission:

Mayo Clinic Laboratories, Mayo Clinic
Classification: Likely benign. Last evaluated: 2025-07-15. Review status: criteria provided, single submitter. Criteria: ACMG Guidelines, 2015. Collection method: clinical testing. Allele origin: germline. Observed: 59 variant alleles.
Comment: BP4, BP7

NM_007327.4(GRIN1):c.*9G>C

Gene: GRIN1 (glutamate ionotropic receptor NMDA type subunit 1; plus strand). Cytogenetic location: 9q34.3.
Variant type: single nucleotide variant.
Coding change: c.*9G>C on transcript NM_007327.4 (MANE Select); 9 bases downstream of the stop codon, G replaced by C.
Molecular consequence: 3 prime UTR variant. On other transcripts: intron variant (3).
Genome position (GRCh38, 1-based): chr9:137,167,536, G>C. VCF-style: chr9-137167536-G-C. GRCh37 (hg19) VCF-style: chr9-140061988-G-C.
Other names: c.*9G>C (NM_001437330.1, NM_001437331.1, NM_021569.4); c.2764-238G>C (NM_001185090.2); c.2653-238G>C (NM_001185091.2); c.2590-238G>C (NM_000832.7).
Identifiers: ClinVar variation 4683475 (VCV004683475.1).